The following is an entry in ClinVar:

ClinVar aggregate classification (germline): Uncertain significance (1 of 4 stars; one submission).

Submission:

Labcorp Genetics (formerly Invitae), Labcorp
Classification: Uncertain significance. Last evaluated: 2024-04-24. Review status: criteria provided, single submitter. Criteria: Invitae Variant Classification Sherloc (09022015). Collection method: clinical testing. Allele origin: germline.
Comment: This sequence change falls in intron 10 of the SUCLG2 gene. It does not directly change the encoded amino acid sequence of the SUCLG2 protein. It affects a nucleotide within the consensus splice site. This variant is not present in population databases (gnomAD no frequency). This variant has not been reported in the literature in individuals affected with SUCLG2-related conditions. Variants that disrupt the consensus splice site are a relatively common cause of aberrant splicing (PMID: 17576681, 9536098). Algorithms developed to predict the effect of sequence changes on RNA splicing suggest that this variant is not likely to affect RNA splicing. In summary, the available evidence is currently insufficient to determine the role of this variant in disease. Therefore, it has been classified as a Variant of Uncertain Significance.

Literature cited by the submitters: PubMed 17576681; PubMed 9536098.

NC_000003.12:g.67360771G>A

Gene: SUCLG2 (succinate-CoA ligase GDP-forming subunit beta; minus strand). Cytogenetic location: 3p14.1.
Variant type: single nucleotide variant.
Molecular consequence: intron variant (on NM_001177599.2).
Genome position: GRCh38 VCF-style: chr3-67360771-G-A. GRCh37 (hg19) VCF-style: chr3-67411195-G-A.
Other names: c.1184-3C>T (NM_001177599.2).
Identifiers: ClinVar variation 3682295 (VCV003682295.2).